The following is an entry in ClinVar:

ClinVar aggregate classification (germline): Conflicting classifications of pathogenicity. Review status: criteria provided, conflicting classifications (1 of 4 stars). 2 submissions from 2 submitters: Uncertain significance (1); Likely benign (1). Last evaluated 2025-02-24.

Conditions:
Werner syndrome (WRN). Identifiers: Orphanet 902, MedGen C0043119, MONDO:0010196, OMIM 277700.
Inborn genetic diseases. Identifiers: MedGen C0950123, MeSH D030342.

Allele frequency attached by ClinVar (database versions not stated): gnomAD below 0.00001 and 0.00004; gnomAD exomes 0.00005 and 0.00009; ExAC 0.00007; 1000 Genomes Project 30x 0.00031; 1000 Genomes Project 0.00040.
gnomAD v4.1: 76 of 1,610,962 alleles (0.0047%); highest among the groups gnomAD compares: South Asian, 0.074%; no homozygotes.

Submissions (2):

Ambry Genetics
Classification: Likely benign for Inborn genetic diseases. Last evaluated: 2025-02-24. Review status: criteria provided, single submitter. Criteria: Ambry Variant Classification Scheme 2023. Collection method: clinical testing. Allele origin: germline.

Labcorp Genetics (formerly Invitae), Labcorp
Classification: Uncertain significance for Werner syndrome. Last evaluated: 2022-11-01. Review status: criteria provided, single submitter. Criteria: Invitae Variant Classification Sherloc (09022015). Collection method: clinical testing. Allele origin: germline.
Comment: This sequence change replaces valine, which is neutral and non-polar, with isoleucine, which is neutral and non-polar, at codon 437 of the WRN protein (p.Val437Ile). This variant is present in population databases (rs562250010, gnomAD 0.07%). This variant has not been reported in the literature in individuals affected with WRN-related conditions. ClinVar contains an entry for this variant (Variation ID: 661145). Algorithms developed to predict the effect of missense changes on protein structure and function output the following: SIFT: "Not Available"; PolyPhen-2: "Benign"; Align-GVGD: "Not Available". The isoleucine amino acid residue is found in multiple mammalian species, which suggests that this missense change does not adversely affect protein function. In summary, the available evidence is currently insufficient to determine the role of this variant in disease. Therefore, it has been classified as a Variant of Uncertain Significance.

NM_000553.6(WRN):c.1309G>A (p.Val437Ile)

Gene: WRN (WRN RecQ like helicase; plus strand). Cytogenetic location: 8p12.
Variant type: single nucleotide variant.
Coding change: c.1309G>A on transcript NM_000553.6 (MANE Select); coding-DNA position 1309, G replaced by A.
Protein change: p.Val437Ile; replaces valine 437 with isoleucine.
Molecular consequence: missense variant.
Genome position (GRCh38, 1-based): chr8:31,083,738, G>A. VCF-style: chr8-31083738-G-A. GRCh37 (hg19) VCF-style: chr8-30941254-G-A.
Other names: short protein forms V437I.
Identifiers: ClinVar variation 661145 (VCV000661145.4), dbSNP rs562250010, ClinGen allele CA4704309.
Genomic context (GRCh38, chr8:31,083,738, plus strand): 5'-TGCTTAATACTTTTTTTAAAGCATTTATCTCCCAATGATAATGAAAACGATACGTCCTAT[G>A]TAATTGAGAGTGATGAAGATTTAGAAATGGAGATGCTTAAGGTATGTTTACAATTATAAA-3'
Protein context (NP_000544.2, residues 427-447): PNDNENDTSY[Val437Ile]IESDEDLEME